The following is an entry in ClinVar:

ClinVar aggregate classification (germline): Uncertain significance (1 of 4 stars; one submission).

gnomAD v4.1: 1 of 1,614,136 alleles (0.000062%); no homozygotes.

Submission:

CeGaT Center for Human Genetics Tuebingen
Classification: Uncertain significance. Last evaluated: 2024-01-01. Review status: criteria provided, single submitter. Criteria: CeGaT Center For Human Genetics Tuebingen Variant Classification Criteria Version 2. Collection method: clinical testing. Allele origin: germline. Affected: yes. Observed: 1 variant allele.
Comment: BPTF: PM2, BP4

NM_182641.4(BPTF):c.6353A>G (p.Gln2118Arg)

Gene: BPTF (bromodomain PHD finger transcription factor; plus strand). Cytogenetic location: 17q24.2.
Variant type: single nucleotide variant.
Coding change: c.6353A>G on transcript NM_182641.4 (MANE Select); coding-DNA position 6353, A replaced by G.
Protein change: p.Gln2118Arg; replaces glutamine 2118 with arginine.
Molecular consequence: missense variant.
Genome position (GRCh38, 1-based): chr17:67,940,532, A>G. VCF-style: chr17-67940532-A-G. GRCh37 (hg19) VCF-style: chr17-65936648-A-G.
Other names: c.6731A>G, p.Gln2244Arg (NM_004459.7); short protein forms Q2118R, Q2244R.
Identifiers: ClinVar variation 3026509 (VCV003026509.22), dbSNP rs2512354853, ClinGen allele CA400721087.